The following is an entry in ClinVar:

NM_007294.4(BRCA1):c.5406+2T>C

Gene: BRCA1 (BRCA1 DNA repair associated; minus strand). Cytogenetic location: 17q21.31.
Variant type: single nucleotide variant.
Coding change: c.5406+2T>C on transcript NM_007294.4 (MANE Select); the canonical splice donor site of the intron after coding-DNA position 5406, T replaced by C.
Molecular consequence: splice donor variant. On other transcripts: intron variant (19).
Genome position (GRCh38, 1-based): chr17:43,049,119, A>G on the plus strand (T>C on the coding strand, the complement: BRCA1 is on the minus strand). VCF-style: chr17-43049119-A-G. GRCh37 (hg19) VCF-style: chr17-41201136-A-G.
Other names: c.5403+2T>C (NM_001407612.1, NM_001407620.1, NM_001407613.1 and 14 more transcripts); c.1971+2T>C (NM_001408440.1, NM_001408436.1, NM_001408435.1 and 10 more transcripts); c.1974+2T>C (NM_001408428.1, NM_001408429.1, NM_001408426.1 and 4 more transcripts); c.5280+2T>C (NM_001407678.1, NM_001407671.1, NM_001407673.1 and 8 more transcripts); c.5283+2T>C (NM_001407666.1, NM_001407665.1, NM_001407669.1 and 3 more transcripts); c.1980+2T>C (NM_001408418.1, NM_001408420.1, NM_001408419.1); c.2094+2T>C (NM_001407981.1, NM_007298.4, NM_001407980.1 and 10 more transcripts); c.2097+2T>C (NM_001407978.1, NM_001407976.1, NM_001407977.1 and 3 more transcripts); and 84 more.
Identifiers: ClinVar variation 868430 (VCV000868430.3), dbSNP rs2051071309, ClinGen allele CA10590662.
Genomic context (GRCh38, chr17:43,049,119, plus strand): 5'-CAGTCTTGCTCACAGGAGAGAATATTGTGTCCTCCCTCTCTGACAGGGCACCCAATACTT[A>G]CTGTGCCAAGGGTGAATGATGAAAGCTCCTTCACCACAGAAGCACCACACAGCTGTACCA-3'

Conditions:
Breast-ovarian cancer, familial, susceptibility to, 1 (BROVCA1). Also called: BRCA1 Hereditary Breast and Ovarian Cancer; OVARIAN CANCER, SUSCEPTIBILITY TO. Identifiers: Orphanet 145, MedGen C2676676, MONDO:0011450, OMIM 604370. Disease mechanism: loss of function.

Submission:

Brotman Baty Institute, University of Washington
No classification provided (evidence only). Condition: Breast-ovarian cancer, familial 1. Review status: no classification provided. Collection method: in vitro. Allele origin: not applicable. Functional consequence: function_uncertain_variant.
ClinVar note: "not provided" was previously submitted as the classification for the variant. However, the classification appeared to be based only on an observation of functional data so it was converted to no classification on 2025-07-30.